The following is an entry in ClinVar:

NM_203447.4(DOCK8):c.1850C>T (p.Ala617Val)

Gene: DOCK8 (dedicator of cytokinesis 8; plus strand). Cytogenetic location: 9p24.3.
Variant type: single nucleotide variant.
Coding change: c.1850C>T on transcript NM_203447.4 (MANE Select); coding-DNA position 1850, C replaced by T.
Protein change: p.Ala617Val; replaces alanine 617 with valine.
Molecular consequence: missense variant.
Genome position (GRCh38, 1-based): chr9:370,282, C>T. VCF-style: chr9-370282-C-T. GRCh37 (hg19) VCF-style: chr9-370282-C-T.
Other names: c.1646C>T, p.Ala549Val (NM_001190458.2, NM_001193536.2); short protein forms A549V, A617V.
Identifiers: ClinVar variation 3625902 (VCV003625902.2).
Genomic context (GRCh38, chr9:370,282, plus strand): 5'-GTGAACAGGTCATCTTTGGAAAATCCAGCGGGCCTGAATTTCTGCAGGAAGTGTACACAG[C>T]TGTTACATACCATAATAAGTAAGTCTATTTCAGCATTCTAAATATATGCCAAGATGGTTT-3'
Protein context (NP_982272.2, residues 607-627): GPEFLQEVYT[Ala617Val]VTYHNKSPDF

ClinVar aggregate classification (germline): Uncertain significance (1 of 4 stars; one submission).

Conditions:
Combined immunodeficiency due to DOCK8 deficiency (HIES2). Also called: HIES autosomal recessive; HYPER-IgE RECURRENT INFECTION SYNDROME 2, AUTOSOMAL RECESSIVE; Hyper-IgE recurrent infection syndrome, autosomal recessive; HYPER-IgE SYNDROME 2, AUTOSOMAL RECESSIVE, WITH RECURRENT INFECTIONS; DOCK8 Deficiency. Identifiers: Orphanet 217390, MedGen C4722305, MONDO:0009478, OMIM 243700.

gnomAD v4.1: 3 of 1,613,924 alleles (0.00019%); highest among the groups gnomAD compares: Admixed American, 0.0033%; no homozygotes.

Submission:

Labcorp Genetics (formerly Invitae), Labcorp
Classification: Uncertain significance for Combined immunodeficiency due to DOCK8 deficiency. Last evaluated: 2024-05-19. Review status: criteria provided, single submitter. Criteria: Invitae Variant Classification Sherloc (09022015). Collection method: clinical testing. Allele origin: germline.
Comment: This sequence change replaces alanine, which is neutral and non-polar, with valine, which is neutral and non-polar, at codon 617 of the DOCK8 protein (p.Ala617Val). This variant is present in population databases (no rsID available, gnomAD 0.003%). This variant has not been reported in the literature in individuals affected with DOCK8-related conditions. Advanced modeling of protein sequence and biophysical properties (such as structural, functional, and spatial information, amino acid conservation, physicochemical variation, residue mobility, and thermodynamic stability) performed at Invitae indicates that this missense variant is not expected to disrupt DOCK8 protein function with a negative predictive value of 80%. In summary, the available evidence is currently insufficient to determine the role of this variant in disease. Therefore, it has been classified as a Variant of Uncertain Significance.